The following is an entry in ClinVar:

ClinVar aggregate classification (germline): Pathogenic (1 of 4 stars; one submission).

Conditions:
Inborn genetic diseases. Identifiers: MedGen C0950123, MeSH D030342.

Submission:

Ambry Genetics
Classification: Pathogenic for Inborn genetic diseases. Last evaluated: 2024-03-18. Review status: criteria provided, single submitter. Criteria: Ambry Variant Classification Scheme 2023. Collection method: clinical testing. Allele origin: germline.
Comment: The c.660-1G>A intronic variant results from a G to A substitution one nucleotide before coding exon 9 of the GNAS gene. Alterations that disrupt the canonical splice site are expected to cause aberrant splicing, resulting in an abnormal protein or a transcript that is subject to nonsense-mediated mRNA decay. for pseudohypoparathyroidism and pseudopseudohypoparathyroidism; however, its clinical significance for McCune-Albright syndrome is uncertain. This variant was not reported in population-based cohorts in the Genome Aggregation Database (gnomAD). Other alterations impacting the same acceptor site (c.660-1G>T and c.660-2A>G) have been reported in association with pseudohypoparathyroidism and/or pseudopseudohypoparathyroidism (Thiele, 2015; Snanoudj, 2020). This nucleotide position is highly conserved in available vertebrate species. In silico splice site analysis predicts that this alteration will weaken the native splice acceptor site. Based on the available evidence, this alteration is classified as pathogenic.

Literature cited by the submitters: PubMed 25802881; PubMed 31886927.

NM_000516.7(GNAS):c.660-1G>A

Gene: GNAS (GNAS complex locus; plus strand). Cytogenetic location: 20q13.32.
Variant type: single nucleotide variant.
Coding change: c.660-1G>A on transcript NM_000516.7 (MANE Select); the canonical splice acceptor site of the intron before coding-DNA position 660, G replaced by A.
Molecular consequence: splice acceptor variant.
Genome position (GRCh38, 1-based): chr20:58,909,520, G>A. VCF-style: chr20-58909520-G-A. GRCh37 (hg19) VCF-style: chr20-57484575-G-A.
Other names: c.*566-1G>A (NM_016592.5); c.564-1G>A (NM_001410912.1); c.483-1G>A (NM_001309861.2, NM_001309840.2); c.*521-1G>A (NM_001077490.3); c.2589-1G>A (NM_080425.4); c.2544-1G>A (NM_001410913.1); c.663-1G>A (NM_001077488.5); c.618-1G>A (NM_080426.4); and 1 more.
Identifiers: ClinVar variation 3281763 (VCV003281763.1).
Genomic context (GRCh38, chr20:58,909,520, plus strand): 5'-ATGGTTTCTTGACATTCACCCCAGTCCCTCTGGAATAACCAGCTGTCCTCCTCCCCACCA[G>A]CATGTTTGACGTGGGTGGCCAGCGCGATGAACGCCGCAAGTGGATCCAGTGCTTCAACGG-3'